The following is an entry in ClinVar:

ClinVar aggregate classification (germline): Uncertain significance (1 of 4 stars; one submission).

Conditions:
Bethlem myopathy 1A. Also called: MYOPATHY, BENIGN CONGENITAL, WITH CONTRACTURES; Bethlem myopathy 1; Bethlem Muscular Dystrophy. Identifiers: Orphanet 610, MedGen CN029274, MONDO:0024530, OMIM 158810.

Submission:

Labcorp Genetics (formerly Invitae), Labcorp
Classification: Uncertain significance for Bethlem myopathy 1A. Last evaluated: 2024-10-02. Review status: criteria provided, single submitter. Criteria: Invitae Variant Classification Sherloc (09022015). Collection method: clinical testing. Allele origin: germline.
Comment: This sequence change replaces glycine, which is neutral and non-polar, with tryptophan, which is neutral and slightly polar, at codon 171 of the COL6A1 protein (p.Gly171Trp). This variant is not present in population databases (gnomAD no frequency). This variant has not been reported in the literature in individuals affected with COL6A1-related conditions. Invitae Evidence Modeling of protein sequence and biophysical properties (such as structural, functional, and spatial information, amino acid conservation, physicochemical variation, residue mobility, and thermodynamic stability) indicates that this missense variant is not expected to disrupt COL6A1 protein function with a negative predictive value of 95%. In summary, the available evidence is currently insufficient to determine the role of this variant in disease. Therefore, it has been classified as a Variant of Uncertain Significance.

NM_001848.3(COL6A1):c.511G>T (p.Gly171Trp)

Gene: COL6A1 (collagen type VI alpha 1 chain; plus strand). Cytogenetic location: 21q22.3.
Variant type: single nucleotide variant.
Coding change: c.511G>T on transcript NM_001848.3 (MANE Select); coding-DNA position 511, G replaced by T.
Protein change: p.Gly171Trp; replaces glycine 171 with tryptophan.
Molecular consequence: missense variant.
Genome position (GRCh38, 1-based): chr21:45,986,608, G>T. VCF-style: chr21-45986608-G-T. GRCh37 (hg19) VCF-style: chr21-47406522-G-T.
Other names: short protein forms G171W.
Identifiers: ClinVar variation 3678416 (VCV003678416.2).